The following is an entry in ClinVar:

ClinVar aggregate classification (germline): Uncertain significance (1 of 4 stars; one submission).

Submission:

Labcorp Genetics (formerly Invitae), Labcorp
Classification: Uncertain significance. Last evaluated: 2022-07-12. Review status: criteria provided, single submitter. Criteria: Invitae Variant Classification Sherloc (09022015). Collection method: clinical testing. Allele origin: germline.
Comment: In summary, the available evidence is currently insufficient to determine the role of this variant in disease. Therefore, it has been classified as a Variant of Uncertain Significance. Advanced modeling of protein sequence and biophysical properties (such as structural, functional, and spatial information, amino acid conservation, physicochemical variation, residue mobility, and thermodynamic stability) performed at Invitae indicates that this missense variant is not expected to disrupt COL2A1 protein function. This variant has not been reported in the literature in individuals affected with COL2A1-related conditions. This variant is not present in population databases (gnomAD no frequency). This sequence change replaces glutamine, which is neutral and polar, with histidine, which is basic and polar, at codon 572 of the COL2A1 protein (p.Gln572His).

NM_001844.5(COL2A1):c.1716A>C (p.Gln572His)

Gene: COL2A1 (collagen type II alpha 1 chain; minus strand). Cytogenetic location: 12q13.11.
Variant type: single nucleotide variant.
Coding change: c.1716A>C on transcript NM_001844.5 (MANE Select); coding-DNA position 1716, A replaced by C.
Protein change: p.Gln572His; replaces glutamine 572 with histidine.
Molecular consequence: missense variant.
Genome position (GRCh38, 1-based): chr12:47,985,552, T>G on the plus strand (A>C on the coding strand, the complement: COL2A1 is on the minus strand). VCF-style: chr12-47985552-T-G. GRCh37 (hg19) VCF-style: chr12-48379335-T-G.
Other names: c.1509A>C, p.Gln503His (NM_033150.3); short protein forms Q503H, Q572H.
Identifiers: ClinVar variation 2021142 (VCV002021142.4), dbSNP rs2540146222, ClinGen allele CA384551023.